The following is an entry in ClinVar:

ClinVar aggregate classification (germline): Uncertain significance (1 of 4 stars; one submission).

Conditions:
Capillary malformation-arteriovenous malformation syndrome. Also called: Capillary malformation-arteriovenous malformation. Identifiers: Orphanet 137667, MedGen C1842180, MONDO:0012016.

Submission:

Labcorp Genetics (formerly Invitae), Labcorp
Classification: Uncertain significance for Capillary malformation-arteriovenous malformation syndrome. Last evaluated: 2023-10-23. Review status: criteria provided, single submitter. Criteria: Invitae Variant Classification Sherloc (09022015). Collection method: clinical testing. Allele origin: germline.
Comment: This sequence change falls in intron 12 of the RASA1 gene. It does not directly change the encoded amino acid sequence of the RASA1 protein. It affects a nucleotide within the consensus splice site. This variant is not present in population databases (gnomAD no frequency). This variant has not been reported in the literature in individuals affected with RASA1-related conditions. Variants that disrupt the consensus splice site are a relatively common cause of aberrant splicing (PMID: 17576681, 9536098). Algorithms developed to predict the effect of sequence changes on RNA splicing suggest that this variant is not likely to affect RNA splicing. In summary, the available evidence is currently insufficient to determine the role of this variant in disease. Therefore, it has been classified as a Variant of Uncertain Significance.

Literature cited by the submitters: PubMed 17576681; PubMed 9536098.

NM_002890.3(RASA1):c.1698+6A>G

Genes: CCNH (cyclin H; minus strand), RASA1 (RAS p21 protein activator 1; plus strand). Cytogenetic location: 5q14.3.
Variant type: single nucleotide variant.
Coding change: c.1698+6A>G on transcript NM_002890.3 (MANE Select); 6 bases into the intron after coding-DNA position 1698, A replaced by G.
Molecular consequence: intron variant.
Genome position (GRCh38, 1-based): chr5:87,369,906, A>G. VCF-style: chr5-87369906-A-G. GRCh37 (hg19) VCF-style: chr5-86665723-A-G.
Other names: c.1167+6A>G (NM_022650.3); c.933+25138T>C (NM_001364075.2).
Identifiers: ClinVar variation 2722233 (VCV002722233.3), dbSNP rs2531324537, ClinGen allele CA2697546317.